The following is an entry in ClinVar:

NM_004082.5(DCTN1):c.3518G>T (p.Arg1173Leu)

Gene: DCTN1 (dynactin subunit 1; minus strand). Cytogenetic location: 2p13.1.
Variant type: single nucleotide variant.
Coding change: c.3518G>T on transcript NM_004082.5 (MANE Select); coding-DNA position 3518, G replaced by T.
Protein change: p.Arg1173Leu; replaces arginine 1173 with leucine.
Molecular consequence: missense variant. On other transcripts: non-coding transcript variant (1).
Genome position (GRCh38, 1-based): chr2:74,363,005, C>A on the plus strand (G>T on the coding strand, the complement: DCTN1 is on the minus strand). VCF-style: chr2-74363005-C-A. GRCh37 (hg19) VCF-style: chr2-74590132-C-A.
Other names: c.3443G>T, p.Arg1148Leu (NM_001135040.3); c.3101G>T, p.Arg1034Leu (NM_001135041.3); c.3392G>T, p.Arg1131Leu (NM_001190836.2); c.3497G>T, p.Arg1166Leu (NM_001190837.2); c.3467G>T, p.Arg1156Leu (NM_001378991.1); c.3449G>T, p.Arg1150Leu (NM_001378992.1); c.3116G>T, p.Arg1039Leu (NM_023019.4); short protein forms R1034L, R1039L, R1131L, R1148L, R1150L, R1156L, R1166L, R1173L.
Identifiers: ClinVar variation 3762389 (VCV003762389.2).

ClinVar aggregate classification (germline): Uncertain significance (1 of 4 stars; one submission).

Conditions:
Amyotrophic lateral sclerosis type 1 (ALS1). Also called: AMYOTROPHIC LATERAL SCLEROSIS 1, FAMILIAL. Identifiers: Orphanet 803, MedGen C1862939, MONDO:0007103, OMIM 105400.
Neuronopathy, distal hereditary motor, type 7B. Also called: HMN VIIB; LOWER MOTOR NEURON DISEASE, DYNACTIN TYPE; NEURONOPATHY, DISTAL HEREDITARY MOTOR, AUTOSOMAL DOMINANT 14; NEURONOPATHY, DISTAL HEREDITARY MOTOR, HARDING TYPE VIIB; NEUROPATHY, DISTAL HEREDITARY MOTOR, HARDING TYPE VIIB; NEUROPATHY, DISTAL HEREDITARY MOTOR, WITH VOCAL CORD PARALYSIS, HARDING TYPE VIIB. Identifiers: Orphanet 139589, MedGen C1843315, MONDO:0011879, OMIM 607641.
Perry syndrome. Also called: PARKINSONISM WITH ALVEOLAR HYPOVENTILATION AND MENTAL DEPRESSION. Identifiers: Orphanet 178509, MedGen C1868594, MONDO:0008201, OMIM 168605.

Submission:

Labcorp Genetics (formerly Invitae), Labcorp
Classification: Uncertain significance for Amyotrophic lateral sclerosis type 1; Neuronopathy, distal hereditary motor, type 7B; Perry syndrome. Last evaluated: 2024-06-30. Review status: criteria provided, single submitter. Criteria: Invitae Variant Classification Sherloc (09022015). Collection method: clinical testing. Allele origin: germline.
Comment: This sequence change replaces arginine, which is basic and polar, with leucine, which is neutral and non-polar, at codon 1173 of the DCTN1 protein (p.Arg1173Leu). This variant is not present in population databases (gnomAD no frequency). This variant has not been reported in the literature in individuals affected with DCTN1-related conditions. Advanced modeling of protein sequence and biophysical properties (such as structural, functional, and spatial information, amino acid conservation, physicochemical variation, residue mobility, and thermodynamic stability) performed at Invitae indicates that this missense variant is not expected to disrupt DCTN1 protein function with a negative predictive value of 80%. In summary, the available evidence is currently insufficient to determine the role of this variant in disease. Therefore, it has been classified as a Variant of Uncertain Significance.